The following is an entry in ClinVar:

ClinVar aggregate classification (germline): Uncertain significance (1 of 4 stars; one submission).

gnomAD v4.1: 2 of 1,613,816 alleles (0.00012%); highest among the groups gnomAD compares: African/African-American, 0.0027%; no homozygotes.

Submission:

Labcorp Genetics (formerly Invitae), Labcorp
Classification: Uncertain significance. Last evaluated: 2024-12-07. Review status: criteria provided, single submitter. Criteria: Invitae Variant Classification Sherloc (09022015). Collection method: clinical testing. Allele origin: germline.
Comment: This sequence change replaces threonine, which is neutral and polar, with alanine, which is neutral and non-polar, at codon 532 of the SON protein (p.Thr532Ala). This variant is not present in population databases (gnomAD no frequency). This variant has not been reported in the literature in individuals affected with SON-related conditions. An algorithm developed to predict the effect of missense changes on protein structure and function outputs the following: PolyPhen-2: "Benign". The alanine amino acid residue is found in multiple mammalian species, which suggests that this missense change does not adversely affect protein function. In summary, the available evidence is currently insufficient to determine the role of this variant in disease. Therefore, it has been classified as a Variant of Uncertain Significance.

NM_138927.4(SON):c.1594A>G (p.Thr532Ala)

Gene: SON (SON DNA and RNA binding protein; plus strand). Cytogenetic location: 21q22.11.
Variant type: single nucleotide variant.
Coding change: c.1594A>G on transcript NM_138927.4 (MANE Select); coding-DNA position 1594, A replaced by G.
Protein change: p.Thr532Ala; replaces threonine 532 with alanine.
Molecular consequence: missense variant. On other transcripts: non-coding transcript variant (1), intron variant (1).
Genome position (GRCh38, 1-based): chr21:33,550,825, A>G. VCF-style: chr21-33550825-A-G. GRCh37 (hg19) VCF-style: chr21-34923131-A-G.
Other names: c.1594A>G, p.Thr532Ala (NM_001291411.2, NM_032195.3); c.244+4446A>G (NM_001291412.3); short protein forms T532A.
Identifiers: ClinVar variation 3620825 (VCV003620825.2).